The following is an entry in ClinVar:

ClinVar aggregate classification (germline): Uncertain significance. Review status: criteria provided, multiple submitters, no conflicts (2 of 4 stars). 2 submissions from 2 submitters: Uncertain significance (2). Last evaluated 2022-08-16.

Conditions:
Developmental and epileptic encephalopathy, 1 (DEE1). Also called: Epileptic encephalopathy, early infantile, 1; X-linked infantile spasms; West's syndrome; OHTAHARA SYNDROME, X-LINKED; Tonic spasms with clustering, arrest of psychomotor development and hypsarrhythmia on EEG; X-Linked Infantile Spasm Syndrome. Identifiers: MedGen C3463992, MONDO:0010632, OMIM 308350. Disease mechanism: loss of function.
Autosomal dominant nonsyndromic hearing loss 65. Also called: Deafness, autosomal dominant 65; TBC1D24-Related Autosomal Dominant Nonsyndromic Hearing Loss (DFNA). Identifiers: Orphanet 90635, MedGen C3892048, MONDO:0014470, OMIM 616044.

Submissions (2):

Labcorp Genetics (formerly Invitae), Labcorp
Classification: Uncertain significance for Developmental and epileptic encephalopathy, 1; Autosomal dominant nonsyndromic hearing loss 65. Last evaluated: 2022-08-16. Review status: criteria provided, single submitter. Criteria: Invitae Variant Classification Sherloc (09022015). Collection method: clinical testing. Allele origin: germline.
Comment: ClinVar contains an entry for this variant (Variation ID: 1460843). This sequence change replaces aspartic acid, which is acidic and polar, with glycine, which is neutral and non-polar, at codon 275 of the TBC1D24 protein (p.Asp275Gly). This variant is not present in population databases (gnomAD no frequency). This variant has not been reported in the literature in individuals affected with TBC1D24-related conditions. Advanced modeling of protein sequence and biophysical properties (such as structural, functional, and spatial information, amino acid conservation, physicochemical variation, residue mobility, and thermodynamic stability) performed at Invitae indicates that this missense variant is not expected to disrupt TBC1D24 protein function. In summary, the available evidence is currently insufficient to determine the role of this variant in disease. Therefore, it has been classified as a Variant of Uncertain Significance.

Blueprint Genetics
Classification: Uncertain significance. Last evaluated: 2022-08-02. Review status: criteria provided, single submitter. Criteria: ACMG Guidelines, 2015. Collection method: clinical testing. Allele origin: germline.

NM_001199107.2(TBC1D24):c.824A>G (p.Asp275Gly)

Gene: TBC1D24 (TBC1 domain family member 24; plus strand). Cytogenetic location: 16p13.3.
Variant type: single nucleotide variant.
Coding change: c.824A>G on transcript NM_001199107.2 (MANE Select); coding-DNA position 824, A replaced by G.
Protein change: p.Asp275Gly; replaces aspartic acid 275 with glycine.
Molecular consequence: missense variant.
Genome position (GRCh38, 1-based): chr16:2,496,972, A>G. VCF-style: chr16-2496972-A-G. GRCh37 (hg19) VCF-style: chr16-2546973-A-G.
Other names: c.824A>G, p.Asp275Gly (NM_020705.3); short protein forms D275G.
Identifiers: ClinVar variation 1460843 (VCV001460843.7), dbSNP rs2141872557, ClinGen allele CA394377487.